The following is an entry in ClinVar:

NM_016239.4(MYO15A):c.9530C>T (p.Ala3177Val)

Gene: MYO15A (myosin XVA; plus strand). Cytogenetic location: 17p11.2.
Variant type: single nucleotide variant.
Coding change: c.9530C>T on transcript NM_016239.4 (MANE Select); coding-DNA position 9530, C replaced by T.
Protein change: p.Ala3177Val; replaces alanine 3177 with valine.
Molecular consequence: missense variant.
Genome position (GRCh38, 1-based): chr17:18,162,597, C>T. VCF-style: chr17-18162597-C-T. GRCh37 (hg19) VCF-style: chr17-18065911-C-T.
Other names: short protein forms A3177V.
Identifiers: ClinVar variation 1482432 (VCV001482432.3), dbSNP rs745499694, ClinGen allele CA8425592.
Genomic context (GRCh38, chr17:18,162,597, plus strand): 5'-TCTCCCACAGTCCACCTTGGGCGAGGCCTGAACTCCCTGCTTCTGCAGGGATCGCCAAGG[C>T]CTGCGAGCAGAACCTGCAGAAAACCTTGCGCTTCGGAGGTCGTCTGGAGCTCCCCAGCAG-3'
Protein context (NP_057323.3, residues 3167-3187): PGLPFQGIAK[Ala3177Val]CEQNLQKTLR

ClinVar aggregate classification (germline): Uncertain significance (1 of 4 stars; one submission).

Allele frequency attached by ClinVar (database versions not stated): gnomAD exomes 0.00002 and 0.00003; ExAC 0.00001; gnomAD 0.00001.
gnomAD v4.1: 40 of 1,613,832 alleles (0.0025%); highest among the groups gnomAD compares: Non-Finnish European, 0.0033%; no homozygotes.

Submission:

Labcorp Genetics (formerly Invitae), Labcorp
Classification: Uncertain significance. Last evaluated: 2022-02-21. Review status: criteria provided, single submitter. Criteria: Invitae Variant Classification Sherloc (09022015). Collection method: clinical testing. Allele origin: germline.
Comment: This sequence change replaces alanine, which is neutral and non-polar, with valine, which is neutral and non-polar, at codon 3177 of the MYO15A protein (p.Ala3177Val). This variant is present in population databases (rs745499694, gnomAD 0.005%). This variant has not been reported in the literature in individuals affected with MYO15A-related conditions. Advanced modeling of protein sequence and biophysical properties (such as structural, functional, and spatial information, amino acid conservation, physicochemical variation, residue mobility, and thermodynamic stability) performed at Invitae indicates that this missense variant is not expected to disrupt MYO15A protein function. Algorithms developed to predict the effect of sequence changes on RNA splicing suggest that this variant may create or strengthen a splice site. In summary, the available evidence is currently insufficient to determine the role of this variant in disease. Therefore, it has been classified as a Variant of Uncertain Significance.